The following is an entry in ClinVar:

NM_001318104.2(GAL3ST1):c.85G>A (p.Val29Met)

Gene: GAL3ST1 (galactose-3-O-sulfotransferase 1; minus strand). Cytogenetic location: 22q12.2.
Variant type: single nucleotide variant.
Coding change: c.85G>A on transcript NM_001318104.2 (MANE Select); coding-DNA position 85, G replaced by A.
Protein change: p.Val29Met; replaces valine 29 with methionine.
Molecular consequence: missense variant.
Genome position (GRCh38, 1-based): chr22:30,557,308, C>T on the plus strand (G>A on the coding strand, the complement: GAL3ST1 is on the minus strand). VCF-style: chr22-30557308-C-T. GRCh37 (hg19) VCF-style: chr22-30953295-C-T.
Other names: c.85G>A, p.Val29Met (NM_001318103.2, NM_001318105.2, NM_001318106.2 and 11 more transcripts); short protein forms V29M, V54M.
Identifiers: ClinVar variation 1230435 (VCV001230435.4), dbSNP rs2267161, ClinGen allele CA10183686.
Genomic context (GRCh38, chr22:30,557,308, plus strand): 5'-GCTGGGCCACTCACGTGGAGGCCAGGCCGGCATGCAGCGGGGGCACGGCATAGGAGTACA[C>T]CAGCAGCAGGAAACTAGTGAAGAGCGCGCCCAGCACCAGCCCCTTAGCCATGGACTCCCA-3'
Protein context (NP_001305033.1, residues 19-39): GALFTSFLLL[Val29Met]YSYAVPPLHA

ClinVar aggregate classification (germline): Benign. Review status: criteria provided, multiple submitters, no conflicts (2 of 4 stars). 2 submissions from 2 submitters: Benign (2). Last evaluated 2021-02-24.

Allele frequency attached by ClinVar (database versions not stated): gnomAD exomes 0.30283; ExAC 0.30654; 1000 Genomes Project 30x 0.30856; 1000 Genomes Project 0.30990; TOPMed 0.32971; ESP Exome Variant Server 0.33669.
gnomAD v4.1: 497,724 of 1,613,592 alleles (31%); highest among the groups gnomAD compares: African/African-American, 37%; 78,135 homozygotes.

Submissions (2):

GeneDx
Classification: Benign. Last evaluated: 2021-02-24. Review status: criteria provided, single submitter. Criteria: GeneDx Variant Classification Process June 2021. Collection method: clinical testing. Allele origin: germline. Affected: yes.
Comment: This variant is associated with the following publications: (PMID: 32949544)

Breakthrough Genomics
Classification: Benign. Review status: criteria provided, single submitter. Criteria: ACMG Guidelines, 2015. Collection method: not provided. Allele origin: germline. Inheritance: Unknown mechanism. Affected: yes.